The following is an entry in ClinVar:

ClinVar aggregate classification (germline): Likely benign (0 of 4 stars; one submission).

Conditions:
ERBB4-related disorder. Also called: ERBB4-related condition.

gnomAD v4.1: 9 of 1,613,474 alleles (0.00056%); highest among the groups gnomAD compares: African/African-American, 0.0094%; no homozygotes.

Submission:

PreventionGenetics, part of Exact Sciences
Classification: Likely benign for ERBB4-related condition. Last evaluated: 2024-07-17. Review status: no assertion criteria provided. Collection method: clinical testing. Allele origin: germline.
Comment: This variant is classified as likely benign based on ACMG/AMP sequence variant interpretation guidelines (Richards et al. 2015 PMID: 25741868, with internal and published modifications).

NM_005235.3(ERBB4):c.3520C>A (p.Arg1174=)

Gene: ERBB4 (erb-b2 receptor tyrosine kinase 4; minus strand). Cytogenetic location: 2q34.
Variant type: single nucleotide variant.
Coding change: c.3520C>A on transcript NM_005235.3 (MANE Select); coding-DNA position 3520, C replaced by A.
Protein change: p.Arg1174=; no amino-acid change (arginine 1174 retained).
Molecular consequence: synonymous variant.
Genome position (GRCh38, 1-based): chr2:211,384,022, G>T on the plus strand (C>A on the coding strand, the complement: ERBB4 is on the minus strand). VCF-style: chr2-211384022-G-T. GRCh37 (hg19) VCF-style: chr2-212248747-G-T.
Other names: c.3472C>A, p.Arg1158= (NM_001042599.2).
Identifiers: ClinVar variation 3355890 (VCV003355890.1).
Genomic context (GRCh38, chr2:211,384,022, plus strand): 5'-CATTGGATGCATTGTGATATTCGGGATTATCCAATGCTTGAAGGTCTCCATTTTTTCTCC[G>T]AGAAACAAAAGGGTTCTCCTCCACTGGATTCAGGTATTCTAAAGGAATAAAAAAATATCA-3'
Protein context (NP_005226.1, residues 1164-1184): NPVEENPFVS[Arg1174=]RKNGDLQALD